The following is an entry in ClinVar:

ClinVar aggregate classification (germline): Conflicting classifications of pathogenicity. Review status: criteria provided, conflicting classifications (1 of 4 stars). 7 submissions from 7 submitters: Uncertain significance (5); Likely benign (1). 1 of the submissions does not count toward it. Last evaluated 2025-07-13.

Conditions:
Acute aortic dissection. Identifiers: MedGen C0241868.
Congenital aneurysm of ascending aorta (AAT1). Also called: AORTIC ANEURYSM, FAMILIAL THORACIC 1; ANNULOAORTIC ECTASIA; Aortic aneurysm, thoracic; Familial thoracic aortic aneurysm. Identifiers: Orphanet 229, MedGen C0345050, MONDO:0024559, OMIM 607086.
Marfan syndrome (MFS). Also called: MARFAN SYNDROME, TYPE I; FBN1-Related Marfan Syndrome; Marfan syndrome, classic; Marfan syndrome type 1; Marfan's syndrome. Identifiers: Orphanet 284963, Orphanet 558, MedGen C0024796, MONDO:0007947, OMIM 154700.
Familial thoracic aortic aneurysm and aortic dissection (TAAD). Also called: Thoracic aortic aneurysms and dissections. Identifiers: Orphanet 91387, MedGen C4707243, MONDO:0019625.

Allele frequency attached by ClinVar (database versions not stated): ExAC 0.00001; gnomAD 0.00002; gnomAD exomes 0.00001; TOPMed 0.00002.
gnomAD v4.1: 17 of 1,613,852 alleles (0.0011%); highest among the groups gnomAD compares: East Asian, 0.0067%; no homozygotes.

Submissions (7):

Labcorp Genetics (formerly Invitae), Labcorp
Classification: Likely benign for Marfan syndrome; Familial thoracic aortic aneurysm and aortic dissection. Last evaluated: 2025-07-13. Review status: criteria provided, single submitter. Criteria: Invitae Variant Classification Sherloc (09022015). Collection method: clinical testing. Allele origin: germline.

All of Us Research Program, National Institutes of Health
Classification: Uncertain significance for Marfan syndrome. Last evaluated: 2024-09-23. Review status: criteria provided, single submitter. Criteria: ACMG Guidelines, 2015. Collection method: clinical testing. Allele origin: germline. Inheritance: Autosomal dominant inheritance. Observed: 2 variant alleles, 2 heterozygotes.
Comment: This missense variant replaces proline with leucine at codon 698 of the FBN1 protein. Computational prediction is inconclusive regarding the impact of this variant on protein structure and function (internally defined REVEL score threshold 0.5 < inconclusive < 0.7, PMID: 27666373). To our knowledge, functional studies have not been reported for this variant. This variant has been reported in an individual with thoracic aortic aneurysm and dissection, who showed no features of Marfan syndrome and lacked family history of Marfan syndrome (PMID: 26621581). This variant has been identified in 4/282774 chromosomes in the general population by the Genome Aggregation Database (gnomAD). The available evidence is insufficient to determine the role of this variant in disease conclusively. Therefore, this variant is classified as a Variant of Uncertain Significance.

This study involves interpretation of variants in research participants for the purpose of population health screening. Participant phenotype was not available at the time of variant classification. Additional details can be found in publication PMID: 35346344, PMCID: PMC8962531

Color Diagnostics, LLC DBA Color Health
Classification: Uncertain significance for Familial thoracic aortic aneurysm and aortic dissection. Last evaluated: 2023-10-12. Review status: criteria provided, single submitter. Criteria: ACMG Guidelines, 2015. Collection method: clinical testing. Allele origin: germline.
Comment: This missense variant replaces proline with leucine at codon 698 of the FBN1 protein. Computational prediction is inconclusive regarding the impact of this variant on protein structure and function (internally defined REVEL score threshold 0.5 < inconclusive < 0.7, PMID: 27666373). To our knowledge, functional studies have not been reported for this variant. This variant has been reported in an individual with thoracic aortic aneurysm and dissection, who showed no features of Marfan syndrome and lacked family history of Marfan syndrome (PMID: 26621581). This variant has been identified in 4/282774 chromosomes in the general population by the Genome Aggregation Database (gnomAD). The available evidence is insufficient to determine the role of this variant in disease conclusively. Therefore, this variant is classified as a Variant of Uncertain Significance.

GeneDx
Classification: Uncertain significance. Last evaluated: 2023-09-22. Review status: criteria provided, single submitter. Criteria: GeneDx Variant Classification Process June 2021. Collection method: clinical testing. Allele origin: germline. Affected: yes.
Comment: Identified in a patient with Type A aortic dissection in the published literature (Regalado et al., 2015); however, this patient had other risk factors for dissection including bicuspid aortic valve and hypertension and the authors report this variant did not segregate with aortic disease; Not observed at significant frequency in large population cohorts (gnomAD); Does not affect a cysteine residue within a calcium-binding EGF-like domain or a TGF-binding protein domain of the FBN1 gene; cysteine substitutions in the calcium-binding EGF-like domains represent the majority of pathogenic missense changes associated with FBN1-related disorders (Collod-Beroud et al., 2003); In silico analysis supports that this missense variant has a deleterious effect on protein structure/function; This variant is associated with the following publications: (PMID: 12938084, 26621581)

Women's Health and Genetics/Laboratory Corporation of America, LabCorp
Classification: Uncertain significance. Last evaluated: 2020-10-26. Review status: criteria provided, single submitter. Criteria: LabCorp Variant Classification Summary - May 2015. Collection method: clinical testing. Allele origin: germline.
Comment: Variant summary: FBN1 c.2093C>T (p.Pro698Leu) results in a non-conservative amino acid change located in the TB domain (IPR017878) of the encoded protein sequence. Four of five in-silico tools predict a damaging effect of the variant on protein function. The variant allele was found at a frequency of 1.2e-05 in 251364 control chromosomes (gnomAD). The available data on variant occurrences in the general population are insufficient to allow any conclusion about variant significance. c.2093C>T has been reported in the literature in an individual affected with a type A dissection, ascending aortic dilatation and other risk factors (bicuspid aortic valve and hypertension). But the variant did not segregate with aortic disease (Regalado_2016). This report however, does not provide unequivocal conclusions about association of the variant with Marfan Syndrome. To our knowledge, no experimental evidence demonstrating an impact on protein function has been reported. Four ClinVar submitters (evaluation after 2014) cite the variant as uncertain significance (n=3) or likely benign (n=1). Based on the evidence outlined above, the variant was classified as uncertain significance.

Ambry Genetics
Classification: Uncertain significance for Familial thoracic aortic aneurysm and aortic dissection. Last evaluated: 2015-08-14. Review status: criteria provided, single submitter. Criteria: Ambry Variant Classification Scheme 2023. Collection method: clinical testing. Allele origin: germline.
Comment: The p.P698L variant (also known as c.2093C>T), located in coding exon 16 of the FBN1 gene, results from a C to T substitution at nucleotide position 2093. The proline at codon 698 is replaced by leucine, an amino acid with a few similar properties. This variant was not reported in population based cohorts in the following databases: Database of Single Nucleotide Polymorphisms (dbSNP), NHLBI Exome Sequencing Project (ESP), and 1000 Genomes Project. In the ESP, this variant was not observed in 6493 samples (12986 alleles) with coverage at this position. This amino acid position is highly conserved in available vertebrate species. In addition, this alteration is predicted to be deleterious by in silico analysis. Since supporting evidence is limited at this time, the clinical significance of this variant remains unclear.

University of Washington Center for Mendelian Genomics, University of Washington
Classification: Likely benign for Familial thoracic aortic aneurysms; Acute aortic dissections. Last evaluated: 2016-01-20. Review status: no assertion criteria provided. Collection method: research. Allele origin: unknown. Affected: yes. Not counted in ClinVar's aggregate classification.

Literature cited by the submitters: PubMed 26621581 (cited by 4 submitters).

NM_000138.5(FBN1):c.2093C>T (p.Pro698Leu)

Gene: FBN1 (fibrillin 1; minus strand). Cytogenetic location: 15q21.1.
Variant type: single nucleotide variant.
Coding change: c.2093C>T on transcript NM_000138.5 (MANE Select); coding-DNA position 2093, C replaced by T.
Protein change: p.Pro698Leu; replaces proline 698 with leucine.
Molecular consequence: missense variant.
Genome position (GRCh38, 1-based): chr15:48,503,807, G>A on the plus strand (C>T on the coding strand, the complement: FBN1 is on the minus strand). VCF-style: chr15-48503807-G-A. GRCh37 (hg19) VCF-style: chr15-48796004-G-A.
Other names: short protein forms P698L.
Identifiers: ClinVar variation 264197 (VCV000264197.21), dbSNP rs764827921, ClinGen allele CA046724.